The following is an entry in ClinVar:

NM_024570.4(RNASEH2B):c.445G>T (p.Glu149Ter)

Gene: RNASEH2B (ribonuclease H2 subunit B; plus strand). Cytogenetic location: 13q14.3.
Variant type: single nucleotide variant.
Coding change: c.445G>T on transcript NM_024570.4 (MANE Select); coding-DNA position 445, G replaced by T.
Protein change: p.Glu149Ter; replaces glutamic acid 149 with a stop codon.
Molecular consequence: nonsense.
Genome position (GRCh38, 1-based): chr13:50,943,329, G>T. VCF-style: chr13-50943329-G-T. GRCh37 (hg19) VCF-style: chr13-51517465-G-T.
Other names: c.445G>T, p.Glu149Ter (NM_001142279.2, NM_001411023.1); short protein forms E149*.
Identifiers: ClinVar variation 5013065 (VCV005013065.1).

ClinVar aggregate classification (germline): Pathogenic (1 of 4 stars; one submission).

Conditions:
Aicardi-Goutieres syndrome 2. Identifiers: Orphanet 51, MedGen C3489724, MONDO:0012429, OMIM 610181.

Submission:

Myriad Genetics, Inc.
Classification: Pathogenic for Aicardi-Goutieres syndrome 2. Last evaluated: 2024-05-16. Review status: criteria provided, single submitter. Criteria: Myriad Autosomal Dominant, Autosomal Recessive and X-Linked Classification Criteria (2023). Collection method: clinical testing. Allele origin: unknown.
Comment: NM_024570.3(RNASEH2B):c.445G>T(E149*) is expected to be pathogenic in the context of Aicardi-Goutieres syndrome, RNASEH2B-related. This variant is predicted to lead to an abnormal or absent protein product due to the creation of a premature termination codon in RNASEH2B, a gene where loss-of-function variants are known to be pathogenic. Please note: this variant was assessed in the context of healthy population screening.